The following is an entry in ClinVar:

ClinVar aggregate classification (germline): Pathogenic (1 of 4 stars; one submission).

Conditions:
Kleefstra syndrome 1 (KLEFS1). Identifiers: Orphanet 261494, MedGen C0795833, MONDO:0027407, OMIM 610253.

Submission:

Baylor Genetics
Classification: Pathogenic for Chromosome 9q deletion syndrome. Last evaluated: 2014-02-20. Review status: criteria provided, single submitter. Criteria: Yang et al. 2013. Collection method: clinical testing. Allele origin: de novo. Inheritance: Autosomal dominant inheritance. Affected: yes. Observed: 1 variant allele, 1 heterozygote. Study: Adult_WES.

Literature cited by the submitters: PubMed 26633545.

NM_024757.5(EHMT1):c.391del (p.Ala131fs)

Gene: EHMT1 (euchromatic histone lysine methyltransferase 1; plus strand). Cytogenetic location: 9q34.3.
Variant type: Deletion.
Coding change: c.391del on transcript NM_024757.5 (MANE Select); coding-DNA position 391, one base deleted (G; older notation c.391delG).
Protein change: p.Ala131fs; shifts the reading frame from alanine 131.
Molecular consequence: frameshift variant.
Genome position (GRCh38, 1-based): chr9:137,716,931, G deleted; the last of 2 consecutive G bases (chr9:137,716,930-137,716,931); deleting either gives the same sequence. VCF-style (leftmost placement, unchanged base first): chr9-137716929-CG-C. GRCh37 (hg19) VCF-style: chr9-140611381-CG-C.
Other names: c.391del, p.Ala131fs (NM_001145527.2, NM_001354263.2, NM_001354611.2); c.298del, p.Ala100fs (NM_001354259.2, NM_001354612.2); short protein forms A100fs, A131fs.
Identifiers: ClinVar variation 209152 (VCV000209152.2), dbSNP rs797045043, ClinGen allele CA276141.
Genomic context (GRCh38, chr9:137,716,929, plus strand): 5'-CTGCCGACGACTTTGTGCAGACTTCTGTCATCGGCAGCAACGGATACATCTTAAATAAGC[CG>C]GCCCTACAGGCACAGCCCTTGAGGACTACCAGCACTCTGGCCTCTTCGCTGCCTGGCCAT-3'